The following is an entry in ClinVar:

NM_001372066.1(TFAP2A):c.474C>G (p.Ile158Met)

Gene: TFAP2A (transcription factor AP-2 alpha; minus strand). Cytogenetic location: 6p24.3.
Variant type: single nucleotide variant.
Coding change: c.474C>G on transcript NM_001372066.1 (MANE Select); coding-DNA position 474, C replaced by G.
Protein change: p.Ile158Met; replaces isoleucine 158 with methionine.
Molecular consequence: missense variant.
Genome position (GRCh38, 1-based): chr6:10,409,913, G>C on the plus strand (C>G on the coding strand, the complement: TFAP2A is on the minus strand). VCF-style: chr6-10409913-G-C. GRCh37 (hg19) VCF-style: chr6-10410146-G-C.
Other names: NM_003220.2:c.468C>G; c.450C>G, p.Ile150Met (NM_001032280.3); c.456C>G, p.Ile152Met (NM_001042425.3); short protein forms I158M, I150M, I152M.
Identifiers: ClinVar variation 1399686 (VCV001399686.10), dbSNP rs1295010353, ClinGen allele CA362703702.

ClinVar aggregate classification (germline): Conflicting classifications of pathogenicity. Review status: criteria provided, conflicting classifications (1 of 4 stars). 5 submissions from 5 submitters: Uncertain significance (4); Likely benign (1). Last evaluated 2025-04-14.

Conditions:
TFAP2A-related disorder. Also called: TFAP2A-related condition.
Branchiooculofacial syndrome (BOFS). Also called: BOF SYNDROME; HEMANGIOMATOUS BRANCHIAL CLEFTS-LIP PSEUDOCLEFT SYNDROME; LIP PSEUDOCLEFT-HEMANGIOMATOUS BRANCHIAL CYST SYNDROME; Branchio-Oculo-Facial Syndrome. Identifiers: Orphanet 1297, MedGen C0376524, MeSH D019280, MONDO:0007235, OMIM 113620.

Allele frequency attached by ClinVar (database versions not stated): gnomAD exomes 0.00003 and 0.00009; gnomAD 0.00005; TOPMed 0.00005.
gnomAD v4.1: 131 of 1,549,234 alleles (0.0085%); highest among the groups gnomAD compares: Non-Finnish European, 0.011%; no homozygotes.

Submissions (5):

Labcorp Genetics (formerly Invitae), Labcorp
Classification: Uncertain significance. Last evaluated: 2025-04-14. Review status: criteria provided, single submitter. Criteria: Invitae Variant Classification Sherloc (09022015). Collection method: clinical testing. Allele origin: germline.
Comment: This sequence change replaces isoleucine, which is neutral and non-polar, with methionine, which is neutral and non-polar, at codon 156 of the TFAP2A protein (p.Ile156Met). This variant is present in population databases (no rsID available, gnomAD 0.009%). This variant has not been reported in the literature in individuals affected with TFAP2A-related conditions. ClinVar contains an entry for this variant (Variation ID: 1399686). Invitae Evidence Modeling of protein sequence and biophysical properties (such as structural, functional, and spatial information, amino acid conservation, physicochemical variation, residue mobility, and thermodynamic stability) indicates that this missense variant is not expected to disrupt TFAP2A protein function with a negative predictive value of 80%. In summary, the available evidence is currently insufficient to determine the role of this variant in disease. Therefore, it has been classified as a Variant of Uncertain Significance.

GeneDx
Classification: Uncertain significance. Last evaluated: 2024-09-27. Review status: criteria provided, single submitter. Criteria: GeneDx Variant Classification Process June 2021. Collection method: clinical testing. Allele origin: germline. Affected: yes.
Comment: In silico analysis indicates that this missense variant does not alter protein structure/function; Has not been previously published as pathogenic or benign to our knowledge

Blueprint Genetics
Classification: Likely benign. Last evaluated: 2024-09-02. Review status: criteria provided, single submitter. Criteria: ACMG Guidelines, 2015. Collection method: clinical testing. Allele origin: germline.

Fulgent Genetics
Classification: Uncertain significance for Branchiooculofacial syndrome. Last evaluated: 2024-06-03. Review status: criteria provided, single submitter. Criteria: ACMG Guidelines, 2015. Collection method: clinical testing. Allele origin: germline.

PreventionGenetics, part of Exact Sciences
Classification: Uncertain significance for TFAP2A-related condition. Last evaluated: 2023-03-29. Review status: criteria provided, single submitter. Criteria: ACMG Guidelines, 2015. Collection method: clinical testing. Allele origin: germline.
Comment: The TFAP2A c.468C>G variant is predicted to result in the amino acid substitution p.Ile156Met. To our knowledge, this variant has not been reported in the literature. This variant is reported in 0.0084% of alleles in individuals of European (Non-Finnish) descent in gnomAD. At this time, the clinical significance of this variant is uncertain due to the absence of conclusive functional and genetic evidence.